The following is an entry in ClinVar:

ClinVar aggregate classification (germline): Uncertain significance (1 of 4 stars; one submission).

Allele frequency attached by ClinVar (database versions not stated): ExAC 0.00001; gnomAD exomes 0.00002.
gnomAD v4.1: 33 of 1,613,732 alleles (0.002%); highest among the groups gnomAD compares: South Asian, 0.026%; no homozygotes.

Submission:

Labcorp Genetics (formerly Invitae), Labcorp
Classification: Uncertain significance. Last evaluated: 2023-06-14. Review status: criteria provided, single submitter. Criteria: Invitae Variant Classification Sherloc (09022015). Collection method: clinical testing. Allele origin: germline.
Comment: This sequence change falls in intron 3 of the RPL31 gene. It does not directly change the encoded amino acid sequence of the RPL31 protein. It affects a nucleotide within the consensus splice site. This variant is present in population databases (rs746386933, gnomAD 0.02%). This variant has not been reported in the literature in individuals affected with RPL31-related conditions. Variants that disrupt the consensus splice site are a relatively common cause of aberrant splicing (PMID: 17576681, 9536098). Algorithms developed to predict the effect of sequence changes on RNA splicing suggest that this variant may disrupt the consensus splice site. In summary, the available evidence is currently insufficient to determine the role of this variant in disease. Therefore, it has been classified as a Variant of Uncertain Significance.

Literature cited by the submitters: PubMed 17576681; PubMed 9536098.

NM_000993.5(RPL31):c.233+3G>A

Gene: RPL31 (ribosomal protein L31; plus strand). Cytogenetic location: 2q11.2.
Variant type: single nucleotide variant.
Coding change: c.233+3G>A on transcript NM_000993.5 (MANE Select); 3 bases into the intron after coding-DNA position 233, G replaced by A.
Molecular consequence: intron variant.
Genome position (GRCh38, 1-based): chr2:101,004,286, G>A. VCF-style: chr2-101004286-G-A. GRCh37 (hg19) VCF-style: chr2-101620748-G-A.
Other names: c.233+3G>A (NM_001098577.3, NM_001099693.2).
Identifiers: ClinVar variation 2804713 (VCV002804713.3), dbSNP rs746386933, ClinGen allele CA1804224.